The following is an entry in ClinVar:

ClinVar aggregate classification (germline): Conflicting classifications of pathogenicity. Review status: criteria provided, conflicting classifications (1 of 4 stars). 3 submissions from 3 submitters: Uncertain significance (2); Likely benign (1). Last evaluated 2023-09-01.

Conditions:
Inborn genetic diseases. Identifiers: MedGen C0950123, MeSH D030342.

Allele frequency attached by ClinVar (database versions not stated): ExAC 0.00001; gnomAD exomes 0.00001; gnomAD 0.00003; TOPMed 0.00005.
gnomAD v4.1: 15 of 1,518,526 alleles (0.00099%); highest among the groups gnomAD compares: Non-Finnish European, 0.0012%; no homozygotes.

Submissions (3):

Labcorp Genetics (formerly Invitae), Labcorp
Classification: Uncertain significance. Last evaluated: 2023-09-01. Review status: criteria provided, single submitter. Criteria: Invitae Variant Classification Sherloc (09022015). Collection method: clinical testing. Allele origin: germline.
Comment: In summary, the available evidence is currently insufficient to determine the role of this variant in disease. Therefore, it has been classified as a Variant of Uncertain Significance. Advanced modeling of protein sequence and biophysical properties (such as structural, functional, and spatial information, amino acid conservation, physicochemical variation, residue mobility, and thermodynamic stability) performed at Invitae indicates that this missense variant is not expected to disrupt CDK13 protein function. ClinVar contains an entry for this variant (Variation ID: 2107080). This variant has not been reported in the literature in individuals affected with CDK13-related conditions. This variant is present in population databases (rs767344153, gnomAD 0.001%). This sequence change replaces threonine, which is neutral and polar, with proline, which is neutral and non-polar, at codon 1482 of the CDK13 protein (p.Thr1482Pro).

Ambry Genetics
Classification: Uncertain significance for Inborn genetic diseases. Last evaluated: 2023-05-16. Review status: criteria provided, single submitter. Criteria: Ambry Variant Classification Scheme 2023. Collection method: clinical testing. Allele origin: germline.

CeGaT Center for Human Genetics Tuebingen
Classification: Likely benign. Last evaluated: 2023-03-01. Review status: criteria provided, single submitter. Criteria: CeGaT Center For Human Genetics Tuebingen Variant Classification Criteria Version 2. Collection method: clinical testing. Allele origin: germline. Affected: yes. Observed: 1 variant allele.
Comment: CDK13: BP4

NM_003718.5(CDK13):c.4444A>C (p.Thr1482Pro)

Gene: CDK13 (cyclin dependent kinase 13; plus strand). Cytogenetic location: 7p14.1.
Variant type: single nucleotide variant.
Coding change: c.4444A>C on transcript NM_003718.5 (MANE Select); coding-DNA position 4444, A replaced by C.
Protein change: p.Thr1482Pro; replaces threonine 1482 with proline.
Molecular consequence: missense variant.
Genome position (GRCh38, 1-based): chr7:40,094,885, A>C. VCF-style: chr7-40094885-A-C. GRCh37 (hg19) VCF-style: chr7-40134484-A-C.
Other names: c.4264A>C, p.Thr1422Pro (NM_031267.4); short protein forms T1482P, T1422P.
Identifiers: ClinVar variation 2107080 (VCV002107080.30), dbSNP rs767344153, ClinGen allele CA4229127.
Genomic context (GRCh38, chr7:40,094,885, plus strand): 5'-TATGGTGGTAACTTACAGGAAAATCCGAGTGGCCCCAGCCTCATGCATGGACAGACCTGG[A>C]CTTCTCCTGCCCAAGGACCTGGATATTCACAAGGATACAGGGGACATATTAGCACATCAA-3'
Protein context (NP_003709.3, residues 1472-1492): GPSLMHGQTW[Thr1482Pro]SPAQGPGYSQ